The following is an entry in ClinVar:

ClinVar aggregate classification (germline): Uncertain significance (1 of 4 stars; one submission).

Allele frequency attached by ClinVar (database versions not stated): gnomAD 0.00001; TOPMed 0.00001; ExAC 0.00002; gnomAD exomes 0.00002; 1000 Genomes Project 30x 0.00016; 1000 Genomes Project 0.00020.
gnomAD v4.1: 23 of 1,607,056 alleles (0.0014%); highest among the groups gnomAD compares: South Asian, 0.018%; no homozygotes.

Submission:

Labcorp Genetics (formerly Invitae), Labcorp
Classification: Uncertain significance. Last evaluated: 2022-07-25. Review status: criteria provided, single submitter. Criteria: Invitae Variant Classification Sherloc (09022015). Collection method: clinical testing. Allele origin: germline.
Comment: This sequence change replaces glutamic acid, which is acidic and polar, with lysine, which is basic and polar, at codon 117 of the PITPNM3 protein (p.Glu117Lys). This variant is present in population databases (rs201569325, gnomAD 0.02%). This variant has not been reported in the literature in individuals affected with PITPNM3-related conditions. ClinVar contains an entry for this variant (Variation ID: 937647). Algorithms developed to predict the effect of missense changes on protein structure and function (SIFT, PolyPhen-2, Align-GVGD) all suggest that this variant is likely to be tolerated. In summary, the available evidence is currently insufficient to determine the role of this variant in disease. Therefore, it has been classified as a Variant of Uncertain Significance.

NM_031220.4(PITPNM3):c.349G>A (p.Glu117Lys)

Gene: PITPNM3 (PITPNM family member 3; minus strand). Cytogenetic location: 17p13.2.
Variant type: single nucleotide variant.
Coding change: c.349G>A on transcript NM_031220.4 (MANE Select); coding-DNA position 349, G replaced by A.
Protein change: p.Glu117Lys; replaces glutamic acid 117 with lysine.
Molecular consequence: missense variant.
Genome position (GRCh38, 1-based): chr17:6,484,218, C>T on the plus strand (G>A on the coding strand, the complement: PITPNM3 is on the minus strand). VCF-style: chr17-6484218-C-T. GRCh37 (hg19) VCF-style: chr17-6387538-C-T.
Other names: c.241G>A, p.Glu81Lys (NM_001165966.2); short protein forms E117K, E81K.
Identifiers: ClinVar variation 937647 (VCV000937647.10), dbSNP rs201569325, ClinGen allele CA8329866.